The following is an entry in ClinVar:

NM_020987.5(ANK3):c.11426C>T (p.Thr3809Ile)

Gene: ANK3 (ankyrin 3; minus strand). Cytogenetic location: 10q21.2.
Variant type: single nucleotide variant.
Coding change: c.11426C>T on transcript NM_020987.5 (MANE Select); coding-DNA position 11426, C replaced by T.
Protein change: p.Thr3809Ile; replaces threonine 3809 with isoleucine.
Molecular consequence: missense variant. On other transcripts: intron variant (4).
Genome position (GRCh38, 1-based): chr10:60,069,455, G>A on the plus strand (C>T on the coding strand, the complement: ANK3 is on the minus strand). VCF-style: chr10-60069455-G-A. GRCh37 (hg19) VCF-style: chr10-61829213-G-A.
Other names: c.4388-1446C>T (NM_001204403.2); c.4409-1446C>T (NM_001204404.2); c.4406-1446C>T (NM_001320874.2); c.1808-1446C>T (NM_001149.4); short protein forms T3809I.
Identifiers: ClinVar variation 383179 (VCV000383179.5), dbSNP rs1057521542, ClinGen allele CA16605882.
Genomic context (GRCh38, chr10:60,069,455, plus strand): 5'-CCTGATGAGACTTTCACTGGGTTATCTTTCTCTGTGGTACAAGTGGGTGCAGAATGTTCT[G>A]TCAGAACTATATTACTCATAATGTTATCTGTCTGTATAGTGGAAGAATCCAAATTGTTGT-3'
Protein context (NP_066267.2, residues 3799-3819): TDNIMSNIVL[Thr3809Ile]EHSAPTCTTE

ClinVar aggregate classification (germline): Uncertain significance. Review status: criteria provided, multiple submitters, no conflicts (2 of 4 stars). 3 submissions from 3 submitters: Uncertain significance (3). Last evaluated 2025-09-10.

Conditions:
Inborn genetic diseases. Identifiers: MedGen C0950123, MeSH D030342.

Allele frequency attached by ClinVar (database versions not stated): gnomAD exomes below 0.00001; gnomAD 0.00001; TOPMed 0.00002.
gnomAD v4.1: 3 of 1,613,906 alleles (0.00019%); highest among the groups gnomAD compares: Admixed American, 0.0017%; no homozygotes.

Submissions (3):

Ambry Genetics
Classification: Uncertain significance for Inborn genetic diseases. Last evaluated: 2025-09-10. Review status: criteria provided, single submitter. Criteria: Ambry Variant Classification Scheme 2023. Collection method: clinical testing. Allele origin: germline.

Labcorp Genetics (formerly Invitae), Labcorp
Classification: Uncertain significance. Last evaluated: 2024-04-25. Review status: criteria provided, single submitter. Criteria: Invitae Variant Classification Sherloc (09022015). Collection method: clinical testing. Allele origin: germline.
Comment: This sequence change replaces threonine, which is neutral and polar, with isoleucine, which is neutral and non-polar, at codon 3809 of the ANK3 protein (p.Thr3809Ile). This variant is present in population databases (no rsID available, gnomAD 0.003%). This variant has not been reported in the literature in individuals affected with ANK3-related conditions. ClinVar contains an entry for this variant (Variation ID: 383179). Advanced modeling of protein sequence and biophysical properties (such as structural, functional, and spatial information, amino acid conservation, physicochemical variation, residue mobility, and thermodynamic stability) performed at Invitae indicates that this missense variant is not expected to disrupt ANK3 protein function with a negative predictive value of 80%. In summary, the available evidence is currently insufficient to determine the role of this variant in disease. Therefore, it has been classified as a Variant of Uncertain Significance.

GeneDx
Classification: Uncertain significance. Last evaluated: 2016-01-28. Review status: criteria provided, single submitter. Criteria: GeneDx Variant Classification (06012015). Collection method: clinical testing. Allele origin: germline. Affected: yes.
Comment: The T3809I variant in the ANK3 gene has not been reported previously as a pathogenic variant, noras a benign variant, to our knowledge. The T3809I variant was not observed in approximately 6500individuals of European and African American ancestry in the NHLBI Exome Sequencing Project,indicating it is not a common benign variant in these populations. The T3809I variant is anon-conservative amino acid substitution, which is likely to impact secondary protein structure asthese residues differ in polarity, charge, size and/or other properties. This substitution occurs at aposition that is not conserved and in silico analysis is inconsistent in its predictions as to whether ornot the variant is damaging to the protein structure/function. We interpret T3809I as a variant ofuncertain significance.